The following is an entry in ClinVar:

ClinVar aggregate classification (germline): Conflicting classifications of pathogenicity. Review status: criteria provided, conflicting classifications (1 of 4 stars). 2 submissions from 2 submitters: Uncertain significance (1); Likely benign (1). Last evaluated 2025-11-27.

Conditions:
Gorlin syndrome. Also called: Nevoid Basal Cell Carcinoma Syndrome; Basal cell nevus syndrome. Identifiers: Orphanet 377, MedGen C0004779, MONDO:0007187.
Hereditary cancer-predisposing syndrome. Also called: Neoplastic Syndromes, Hereditary; Hereditary Cancer Syndrome; Hereditary neoplastic syndrome; Tumor predisposition. Identifiers: Orphanet 140162, MedGen C0027672, MeSH D009386, MONDO:0015356.

Allele frequency attached by ClinVar (database versions not stated): gnomAD 0.00001; gnomAD exomes 0.00001; TOPMed 0.00001; ExAC 0.00003.
gnomAD v4.1: 16 of 1,599,112 alleles (0.001%); highest among the groups gnomAD compares: Non-Finnish European, 0.0012%; no homozygotes.

Submissions (2):

Labcorp Genetics (formerly Invitae), Labcorp
Classification: Likely benign for Gorlin syndrome. Last evaluated: 2025-11-27. Review status: criteria provided, single submitter. Criteria: Invitae Variant Classification Sherloc (09022015). Collection method: clinical testing. Allele origin: germline.

Ambry Genetics
Classification: Uncertain significance for Hereditary cancer-predisposing syndrome. Last evaluated: 2025-04-22. Review status: criteria provided, single submitter. Criteria: Ambry Variant Classification Scheme 2023. Collection method: clinical testing. Allele origin: germline.
Comment: The p.D1219H variant (also known as c.3655G>C), located in coding exon 22 of the PTCH1 gene, results from a G to C substitution at nucleotide position 3655. The aspartic acid at codon 1219 is replaced by histidine, an amino acid with similar properties. This amino acid position is highly conserved in available vertebrate species. In addition, the in silico prediction for this alteration is inconclusive. Since supporting evidence is limited at this time, the clinical significance of this alteration remains unclear.

NM_000264.5(PTCH1):c.3655G>C (p.Asp1219His)

Gene: PTCH1 (patched 1; minus strand). Cytogenetic location: 9q22.32.
Variant type: single nucleotide variant.
Coding change: c.3655G>C on transcript NM_000264.5 (MANE Select); coding-DNA position 3655, G replaced by C.
Protein change: p.Asp1219His; replaces aspartic acid 1219 with histidine.
Molecular consequence: missense variant. On other transcripts: non-coding transcript variant (1).
Genome position (GRCh38, 1-based): chr9:95,449,218, C>G on the plus strand (G>C on the coding strand, the complement: PTCH1 is on the minus strand). VCF-style: chr9-95449218-C-G. GRCh37 (hg19) VCF-style: chr9-98211500-C-G.
Other names: c.3457G>C, p.Asp1153His (NM_001083602.3); c.3652G>C, p.Asp1218His (NM_001083603.3); c.3202G>C, p.Asp1068His (NM_001083604.3, NM_001083605.3, NM_001083606.3 and 1 more transcripts); c.3499G>C, p.Asp1167His (NM_001354918.2); short protein forms D1219H, D1218H, D1068H, D1153H, D1167H.
Identifiers: ClinVar variation 824034 (VCV000824034.15), dbSNP rs774833489, ClinGen allele CA5138090.